The following is an entry in ClinVar:

NM_001354604.2(MITF):c.1534A>G (p.Ser512Gly)

Gene: MITF (melanocyte inducing transcription factor; plus strand). Cytogenetic location: 3p13.
Variant type: single nucleotide variant.
Coding change: c.1534A>G on transcript NM_001354604.2 (MANE Select); coding-DNA position 1534, A replaced by G.
Protein change: p.Ser512Gly; replaces serine 512 with glycine.
Molecular consequence: missense variant.
Genome position (GRCh38, 1-based): chr3:69,965,201, A>G. VCF-style: chr3-69965201-A-G. GRCh37 (hg19) VCF-style: chr3-70014352-A-G.
Other names: c.1513A>G, p.Ser505Gly (NM_001354606.2, NM_006722.3); c.1465A>G, p.Ser489Gly (NM_001354607.2); c.1360A>G, p.Ser454Gly (NM_001354608.2, NM_001184967.2); c.1195A>G, p.Ser399Gly (NM_198158.3); c.1516A>G, p.Ser506Gly (NM_198159.3); c.1468A>G, p.Ser490Gly (NM_198177.3); c.1027A>G, p.Ser343Gly (NM_198178.3); c.1213A>G, p.Ser405Gly (NM_000248.4); and 1 more; short protein forms S399G, S490G, S506G, S511G, S343G, S405G, S454G, S489G.
Identifiers: ClinVar variation 4844239 (VCV004844239.1).

ClinVar aggregate classification (germline): Uncertain significance (1 of 4 stars; one submission).

Conditions:
Hereditary cancer-predisposing syndrome. Also called: Neoplastic Syndromes, Hereditary; Tumor predisposition; Hereditary Cancer Syndrome; Hereditary neoplastic syndrome. Identifiers: Orphanet 140162, MedGen C0027672, MeSH D009386, MONDO:0015356.

Submission:

Ambry Genetics
Classification: Uncertain significance for Hereditary cancer-predisposing syndrome. Last evaluated: 2026-01-19. Review status: criteria provided, single submitter. Criteria: Ambry Variant Classification Scheme 2023. Collection method: clinical testing. Allele origin: germline.
Comment: The p.S405G variant (also known as c.1213A>G), located in coding exon 9 of the MITF gene, results from an A to G substitution at nucleotide position 1213. The serine at codon 405 is replaced by glycine, an amino acid with similar properties. This amino acid position is conserved. In addition, the in silico prediction for this alteration is inconclusive. Based on the available evidence, the clinical significance of this variant remains unclear.